The following is an entry in ClinVar:

ClinVar aggregate classification (germline): Pathogenic. Review status: criteria provided, multiple submitters, no conflicts (2 of 4 stars). 4 submissions from 4 submitters: Pathogenic (4). Last evaluated 2025-11-13.

Conditions:
Hereditary cancer-predisposing syndrome. Also called: Tumor predisposition; Hereditary Cancer Syndrome; Hereditary neoplastic syndrome; Neoplastic Syndromes, Hereditary. Identifiers: Orphanet 140162, MedGen C0027672, MeSH D009386, MONDO:0015356.
Familial adenomatous polyposis 1 (FAP1). Also called: FAMILIAL ADENOMATOUS POLYPOSIS 1, ATTENUATED; POLYPOSIS, ADENOMATOUS INTESTINAL. Identifiers: MedGen C2713442, MONDO:0021056, OMIM 175100. Disease mechanism: loss of function.

Submissions (4):

Labcorp Genetics (formerly Invitae), Labcorp
Classification: Pathogenic for Familial adenomatous polyposis 1. Last evaluated: 2025-11-13. Review status: criteria provided, single submitter. Criteria: Invitae Variant Classification Sherloc (09022015). Collection method: clinical testing. Allele origin: germline.
Comment: This sequence change creates a premature translational stop signal (p.Trp699*) in the APC gene. While this is not anticipated to result in nonsense mediated decay, it is expected to disrupt the last 2145 amino acid(s) of the APC protein. This variant is not present in population databases (gnomAD no frequency). This premature translational stop signal has been observed in individual(s) with familial adenomatous polyposis (PMID: 10083733, 20685668). ClinVar contains an entry for this variant (Variation ID: 411494). This variant is expected to disrupt the EB1 and HDLG binding sites, which mediate interactions with the cytoskeleton (PMID: 15311282, 17293347). While functional studies have not been performed to directly test the effect on APC protein function, this suggests that disruption of the C-terminal portion of the protein is functionally important. A different truncation (p.Tyr2645Lysfs*14) that lies downstream of this variant has been determined to be pathogenic (PMID: 9824584, 1316610, 27081525, 8381579, 22135120, internal data). This suggests that deletion of this region of the APC protein is causative of disease. For these reasons, this variant has been classified as Pathogenic.

Ambry Genetics
Classification: Pathogenic for Hereditary cancer-predisposing syndrome. Last evaluated: 2025-05-08. Review status: criteria provided, single submitter. Criteria: Ambry Variant Classification Scheme 2023. Collection method: clinical testing. Allele origin: germline.
Comment: The p.W699* pathogenic mutation (also known as c.2096G>A), located in coding exon 15 of the APC gene, results from a G to A substitution at nucleotide position 2096. This changes the amino acid from a tryptophan to a stop codon within coding exon 15. This variant is considered to be rare based on population cohorts in the Genome Aggregation Database (gnomAD). In addition to the clinical data presented in the literature, this alteration is expected to result in loss of function by premature protein truncation. As such, this alteration is interpreted as a disease-causing mutation.

Myriad Genetics, Inc.
Classification: Pathogenic for Familial adenomatous polyposis 1. Last evaluated: 2023-05-04. Review status: criteria provided, single submitter. Criteria: Myriad Autosomal Dominant, Autosomal Recessive and X-Linked Classification Criteria (2023). Collection method: clinical testing. Allele origin: unknown.
Comment: This variant is considered pathogenic. This variant creates a termination codon and is predicted to result in premature protein truncation.

Baylor Genetics
Classification: Pathogenic for Familial adenomatous polyposis 1. Last evaluated: 2020-10-24. Review status: criteria provided, single submitter. Criteria: ACMG Guidelines, 2015. Collection method: clinical testing. Allele origin: unknown.

Literature cited by the submitters: PubMed 10083733 (cited by Labcorp Genetics (formerly Invitae), Labcorp); PubMed 20685668 (cited by Labcorp Genetics (formerly Invitae), Labcorp); PubMed 15311282 (cited by Labcorp Genetics (formerly Invitae), Labcorp); PubMed 17293347 (cited by Labcorp Genetics (formerly Invitae), Labcorp); PubMed 9824584 (cited by Labcorp Genetics (formerly Invitae), Labcorp); PubMed 1316610 (cited by Labcorp Genetics (formerly Invitae), Labcorp); PubMed 27081525 (cited by Labcorp Genetics (formerly Invitae), Labcorp); PubMed 8381579 (cited by Labcorp Genetics (formerly Invitae), Labcorp); PubMed 22135120 (cited by Labcorp Genetics (formerly Invitae), Labcorp).

NM_000038.6(APC):c.2096G>A (p.Trp699Ter)

Gene: APC (APC regulator of Wnt signaling pathway; plus strand). Cytogenetic location: 5q22.2.
Variant type: single nucleotide variant.
Coding change: c.2096G>A on transcript NM_000038.6 (MANE Select); coding-DNA position 2096, G replaced by A.
Protein change: p.Trp699Ter; replaces tryptophan 699 with a stop codon.
Molecular consequence: nonsense.
Genome position (GRCh38, 1-based): chr5:112,837,690, G>A. VCF-style: chr5-112837690-G-A. GRCh37 (hg19) VCF-style: chr5-112173387-G-A.
Other names: c.2096G>A, p.Trp699Ter (NM_001127510.3, NM_001354895.2); c.2042G>A, p.Trp681Ter (NM_001127511.3); c.2150G>A, p.Trp717Ter (NM_001354896.2); c.2126G>A, p.Trp709Ter (NM_001354897.2); c.2021G>A, p.Trp674Ter (NM_001354898.2); c.2012G>A, p.Trp671Ter (NM_001354899.2); c.1973G>A, p.Trp658Ter (NM_001354900.2); c.1919G>A, p.Trp640Ter (NM_001354901.2); and 5 more; short protein forms W681*, W699*, W539*, W598*, W709*, W416*, W640*, W717*.
Identifiers: ClinVar variation 411494 (VCV000411494.17), dbSNP rs1060503336, ClinGen allele CA16025907.
Genomic context (GRCh38, chr5:112,837,690, plus strand): 5'-ATGCATGTGGAACTTTGTGGAATCTCTCAGCAAGAAATCCTAAAGACCAGGAAGCATTAT[G>A]GGACATGGGGGCAGTTAGCATGCTCAAGAACCTCATTCATTCAAAGCACAAAATGATTGC-3'